The following is an entry in ClinVar:

NM_007294.4(BRCA1):c.2728C>G (p.Gln910Glu)

Gene: BRCA1 (BRCA1 DNA repair associated; minus strand). Cytogenetic location: 17q21.31.
Variant type: single nucleotide variant.
Coding change: c.2728C>G on transcript NM_007294.4 (MANE Select); coding-DNA position 2728, C replaced by G.
Protein change: p.Gln910Glu; replaces glutamine 910 with glutamic acid.
Molecular consequence: missense variant. On other transcripts: intron variant (137).
Genome position (GRCh38, 1-based): chr17:43,092,803, G>C on the plus strand (C>G on the coding strand, the complement: BRCA1 is on the minus strand). VCF-style: chr17-43092803-G-C. GRCh37 (hg19) VCF-style: chr17-41244820-G-C.
Other names: c.671-1771C>G (NM_001408418.1, NM_001408419.1, NM_001408422.1 and 2 more transcripts); c.2584C>G, p.Gln862Glu (NM_001407749.1, NM_001407838.1, NM_001407839.1 and 20 more transcripts); c.2587C>G, p.Gln863Glu (NM_001407752.1, NM_001407750.1, NM_001407751.1 and 29 more transcripts); c.788-1771C>G (NM_001407978.1, NM_001407981.1, NM_007298.4 and 17 more transcripts); c.644-1771C>G (NM_001408462.1, NM_001408465.1, NM_001408463.1 and 3 more transcripts); c.578-1771C>G (NM_001408514.1, NM_001408485.1, NM_001408513.1 and 9 more transcripts); c.710-1771C>G (NM_001408414.1, NM_001408411.1, NM_001408409.1 and 2 more transcripts); c.524-1771C>G (NM_001408501.1, NM_001408500.1, NM_001408497.1 and 3 more transcripts); and 41 more; short protein forms Q910E, Q863E, Q782E, Q839E, Q909E, Q614E, Q799E, Q868E.
Identifiers: ClinVar variation 531365 (VCV000531365.14), dbSNP rs397509004, ClinGen allele CA10596535.

ClinVar aggregate classification (germline): Conflicting classifications of pathogenicity. Review status: criteria provided, conflicting classifications (1 of 4 stars). 3 submissions from 3 submitters: Uncertain significance (1); Likely benign (2). Last evaluated 2023-03-23.

Conditions:
Hereditary breast ovarian cancer syndrome. Also called: Hereditary breast and ovarian cancer syndrome (HBOC); BRCA1- and BRCA2-Associated Hereditary Breast and Ovarian Cancer; Hereditary breast and ovarian cancer syndrome; Breast and ovarian cancer; Hereditary breast and ovarian cancer; Hereditary breast and/or ovarian cancer syndrome. Identifiers: Orphanet 145, MedGen C0677776, MeSH D061325, MONDO:0003582. Disease mechanism: loss of function.
Hereditary cancer-predisposing syndrome. Also called: Hereditary neoplastic syndrome; Neoplastic Syndromes, Hereditary; Tumor predisposition; Hereditary Cancer Syndrome. Identifiers: Orphanet 140162, MedGen C0027672, MeSH D009386, MONDO:0015356.

Submissions (3):

University of Washington Department of Laboratory Medicine, University of Washington
Classification: Likely benign for Hereditary cancer-predisposing syndrome. Last evaluated: 2023-03-23. Review status: criteria provided, single submitter. Criteria: Dines et al. (Genet Med. 2020). Collection method: curation. Allele origin: germline.
Comment: Missense variant in a coldspot region where missense variants are very unlikely to be pathogenic (PMID:31911673).

BRCA1 coldspot (exon 11 using historical exon numbering). Reclassification based on statistical prior probability

Ambry Genetics
Classification: Uncertain significance for Hereditary cancer-predisposing syndrome. Last evaluated: 2022-06-27. Review status: criteria provided, single submitter. Criteria: Ambry Variant Classification Scheme 2023. Collection method: clinical testing. Allele origin: germline.
Comment: The p.Q910E variant (also known as c.2728C>G), located in coding exon 9 of the BRCA1 gene, results from a C to G substitution at nucleotide position 2728. The glutamine at codon 910 is replaced by glutamic acid, an amino acid with highly similar properties. This alteration was not observed in 53 unselected male breast cancer patients and was observed with an allele frequency of 0.0001 in 12,490 male controls of Japanese ancestry (Momozawa Y et al. Nat Commun, 2018 10;9:4083). This amino acid position is not well conserved in available vertebrate species. In addition, this alteration is predicted to be tolerated by in silico analysis. Since supporting evidence is limited at this time, the clinical significance of this alteration remains unclear.

Labcorp Genetics (formerly Invitae), Labcorp
Classification: Likely benign for Hereditary breast ovarian cancer syndrome. Last evaluated: 2022-02-25. Review status: criteria provided, single submitter. Criteria: Invitae Variant Classification Sherloc (09022015). Collection method: clinical testing. Allele origin: germline.

Literature cited by the submitters: PubMed 30287823 (cited by Ambry Genetics).